The following is an entry in ClinVar:

ClinVar aggregate classification (germline): Likely pathogenic (1 of 4 stars; one submission).

Conditions:
Alstrom syndrome (ALMS). Identifiers: Orphanet 64, MedGen C0268425, MONDO:0008763, OMIM 203800.

Submission:

Myriad Genetics, Inc.
Classification: Likely pathogenic for Alstrom syndrome. Last evaluated: 2022-01-09. Review status: criteria provided, single submitter. Criteria: Myriad Women's Health Autosomal Recessive and X-Linked Classification Criteria (2021). Collection method: clinical testing. Allele origin: unknown.
Comment: NM_015120.4(ALMS1):c.9067C>T(Q3023*) is expected to be pathogenic in the context of Alstrom syndrome. This variant is predicted to lead to an abnormal or absent protein product due to the creation of a premature termination codon in ALMS1, a gene where loss-of-function variants are known to be pathogenic. Please note: this variant was assessed in the context of healthy population screening.

NM_001378454.1(ALMS1):c.9064C>T (p.Gln3022Ter)

Gene: ALMS1 (ALMS1 centrosome and basal body associated protein; plus strand). Cytogenetic location: 2p13.1.
Variant type: single nucleotide variant.
Coding change: c.9064C>T on transcript NM_001378454.1 (MANE Select); coding-DNA position 9064, C replaced by T.
Protein change: p.Gln3022Ter; replaces glutamine 3022 with a stop codon.
Molecular consequence: nonsense.
Genome position (GRCh38, 1-based): chr2:73,491,023, C>T. VCF-style: chr2-73491023-C-T. GRCh37 (hg19) VCF-style: chr2-73718150-C-T.
Other names: c.9067C>T, p.Gln3023Ter (NM_015120.4); short protein forms Q3022*, Q3023*.
Identifiers: ClinVar variation 1723920 (VCV001723920.2), dbSNP rs2466219039, ClinGen allele CA347272768.